The following is an entry in ClinVar:

ClinVar aggregate classification (germline): Uncertain significance. Review status: criteria provided, multiple submitters, no conflicts (2 of 4 stars). 2 submissions from 2 submitters: Uncertain significance (2). Last evaluated 2025-12-29.

Conditions:
Pancreatic adenocarcinoma. Identifiers: MedGen C0281361, MONDO:0006047, HP:0006725.

Submissions (2):

Ambry Genetics
Classification: Uncertain significance. Last evaluated: 2025-12-29. Review status: criteria provided, single submitter. Criteria: Ambry Variant Classification Scheme 2023. Collection method: clinical testing. Allele origin: germline.
Comment: The c.273_278dupGCCACC variant (also known as p.P93_P94dup), located in coding exon 1 of the PALLD gene, results from an in-frame duplication of GCCACC at nucleotide positions 273 to 278. This results in the duplication of 2 extra residues (PP) between codons 93 and 94. This amino acid region is generally well conserved in available vertebrate species. The evidence for this gene-disease relationship is limited; therefore, the clinical significance of this alteration is unclear.

Labcorp Genetics (formerly Invitae), Labcorp
Classification: Uncertain significance for Pancreatic adenocarcinoma. Last evaluated: 2015-07-06. Review status: criteria provided, single submitter. Criteria: Invitae Variant Classification Sherloc (09022015). Collection method: clinical testing. Allele origin: germline.
Comment: This sequence change inserts 6 nucleotides in exon 2 of the PALLD mRNA (c.273_278dup). This leads to the insertion of 2 amino acid residues in the PALLD protein (p.Pro93_Pro94dup). These additional amino acid residues extend a 7 proline repeat region of the PALLD protein, but otherwise preserves the integrity of the reading frame. This variant has not been published in the literature and is not present in population databases. In summary, this is a novel change with uncertain impact on protein function. There is no indication that this variant causes disease, but the evidence is insufficient at this time to prove that conclusively. Therefore, it has been classified as a Variant of Uncertain Significance.

NM_001166108.2(PALLD):c.1965-12758_1965-12753dup

Gene: PALLD (palladin, cytoskeletal associated protein; plus strand). Cytogenetic location: 4q32.3.
Variant type: Duplication.
Coding change: c.1965-12758_1965-12753dup on transcript NM_001166108.2 (MANE Select); 12758 bases into the intron before coding-DNA position 1965 through 12753 bases into the intron before coding-DNA position 1965, 6 bases duplicated (GCCACC; older notation c.1965-12758_1965-12753dupGCCACC).
Molecular consequence: intron variant. On other transcripts: inframe insertion (1).
Genome position (GRCh38, 1-based): chr4:168,878,164-168,878,169, GCCACC duplicated; duplicating any 6 consecutive bases within chr4:168,878,162-168,878,169 gives the same sequence; the c. name uses the placement nearest the transcript's 3' end. VCF-style (leftmost placement, unchanged base first): chr4-168878161-C-CCCGCCA. GRCh37 (hg19) VCF-style: chr4-169799312-C-CCCGCCA.
Other names: c.273_278dup, p.Pro93_Pro94dup (NM_001166110.2); c.1965-12758_1965-12753dup (NM_016081.4); c.819-12758_819-12753dup (NM_001166109.2); c.-157-12758_-157-12753dup (NM_001367570.1, NM_001367568.1, NM_001367567.1 and 1 more transcripts); c.273_278dupGCCACC (NM_001166110.1).
Identifiers: ClinVar variation 219436 (VCV000219436.8), dbSNP rs864622087, ClinGen allele CA350454.